The following is an entry in ClinVar:

ClinVar aggregate classification (germline): Uncertain significance (1 of 4 stars; one submission).

Allele frequency attached by ClinVar (database versions not stated): gnomAD exomes 0.00001; TOPMed 0.00001; ExAC 0.00002; ESP Exome Variant Server 0.00008.
gnomAD v4.1: 13 of 1,610,660 alleles (0.00081%); highest among the groups gnomAD compares: East Asian, 0.0045%; no homozygotes.

Submission:

Labcorp Genetics (formerly Invitae), Labcorp
Classification: Uncertain significance. Last evaluated: 2022-11-08. Review status: criteria provided, single submitter. Criteria: Invitae Variant Classification Sherloc (09022015). Collection method: clinical testing. Allele origin: germline.
Comment: Algorithms developed to predict the effect of missense changes on protein structure and function (SIFT, PolyPhen-2, Align-GVGD) all suggest that this variant is likely to be tolerated. In summary, the available evidence is currently insufficient to determine the role of this variant in disease. Therefore, it has been classified as a Variant of Uncertain Significance. ClinVar contains an entry for this variant (Variation ID: 1411667). This variant has not been reported in the literature in individuals affected with TUBGCP6-related conditions. This variant is present in population databases (rs371587030, gnomAD 0.006%). This sequence change replaces valine, which is neutral and non-polar, with isoleucine, which is neutral and non-polar, at codon 1229 of the TUBGCP6 protein (p.Val1229Ile).

NM_020461.4(TUBGCP6):c.3685G>A (p.Val1229Ile)

Gene: TUBGCP6 (tubulin gamma complex component 6; minus strand). Cytogenetic location: 22q13.33.
Variant type: single nucleotide variant.
Coding change: c.3685G>A on transcript NM_020461.4 (MANE Select); coding-DNA position 3685, G replaced by A.
Protein change: p.Val1229Ile; replaces valine 1229 with isoleucine.
Molecular consequence: missense variant.
Genome position (GRCh38, 1-based): chr22:50,220,674, C>T on the plus strand (G>A on the coding strand, the complement: TUBGCP6 is on the minus strand). VCF-style: chr22-50220674-C-T. GRCh37 (hg19) VCF-style: chr22-50659103-C-T.
Other names: short protein forms V1229I.
Identifiers: ClinVar variation 1411667 (VCV001411667.6), dbSNP rs371587030, ClinGen allele CA10307856.